The following is an entry in ClinVar:

NM_000548.5(TSC2):c.5122C>G (p.Leu1708Val)

Gene: TSC2 (TSC complex subunit 2; plus strand). Cytogenetic location: 16p13.3.
Variant type: single nucleotide variant.
Coding change: c.5122C>G on transcript NM_000548.5 (MANE Select); coding-DNA position 5122, C replaced by G.
Protein change: p.Leu1708Val; replaces leucine 1708 with valine.
Molecular consequence: missense variant.
Genome position (GRCh38, 1-based): chr16:2,088,101, C>G. VCF-style: chr16-2088101-C-G. GRCh37 (hg19) VCF-style: chr16-2138102-C-G.
Other names: c.5122C>G (NM_000548.3); c.4921C>G, p.Leu1641Val (NM_001077183.3); c.5053C>G, p.Leu1685Val (NM_001114382.3); c.4813C>G, p.Leu1605Val (NM_001318827.2); c.4777C>G, p.Leu1593Val (NM_001318829.2); c.4390C>G, p.Leu1464Val (NM_001318831.2); c.4954C>G, p.Leu1652Val (NM_001318832.2); c.4924C>G, p.Leu1642Val (NM_001363528.2); and 2 more; short protein forms L1464V, L1593V, L1642V, L1665V, L1605V, L1641V, L1652V, L1664V.
Identifiers: ClinVar variation 1478376 (VCV001478376.9), dbSNP rs1168265181, ClinGen allele CA394312391.

ClinVar aggregate classification (germline): Uncertain significance. Review status: criteria provided, multiple submitters, no conflicts (2 of 4 stars). 2 submissions from 2 submitters: Uncertain significance (2). Last evaluated 2025-08-20.

Conditions:
Hereditary cancer-predisposing syndrome. Also called: Hereditary neoplastic syndrome; Tumor predisposition; Neoplastic Syndromes, Hereditary; Hereditary Cancer Syndrome. Identifiers: Orphanet 140162, MedGen C0027672, MeSH D009386, MONDO:0015356.
Tuberous sclerosis 2 (TSC2). Identifiers: Orphanet 805, MedGen C1860707, MONDO:0013199, OMIM 613254.

gnomAD v4.1: 2 of 1,612,956 alleles (0.00012%); highest among the groups gnomAD compares: South Asian, 0.0011%; no homozygotes.

Submissions (2):

Ambry Genetics
Classification: Uncertain significance for Hereditary cancer-predisposing syndrome. Last evaluated: 2025-08-20. Review status: criteria provided, single submitter. Criteria: Ambry Variant Classification Scheme 2023. Collection method: clinical testing. Allele origin: germline.
Comment: The p.L1708V variant (also known as c.5122C>G), located in coding exon 39 of the TSC2 gene, results from a C to G substitution at nucleotide position 5122. The leucine at codon 1708 is replaced by valine, an amino acid with highly similar properties. This amino acid position is highly conserved in available vertebrate species. In addition, this alteration is predicted to be deleterious by in silico analysis. Based on the available evidence, the clinical significance of this variant remains unclear.

Labcorp Genetics (formerly Invitae), Labcorp
Classification: Uncertain significance for Tuberous sclerosis 2. Last evaluated: 2024-04-22. Review status: criteria provided, single submitter. Criteria: Invitae Variant Classification Sherloc (09022015). Collection method: clinical testing. Allele origin: germline.
Comment: This sequence change replaces leucine, which is neutral and non-polar, with valine, which is neutral and non-polar, at codon 1708 of the TSC2 protein (p.Leu1708Val). This variant is not present in population databases (gnomAD no frequency). This variant has not been reported in the literature in individuals affected with TSC2-related conditions. ClinVar contains an entry for this variant (Variation ID: 1478376). Advanced modeling of protein sequence and biophysical properties (such as structural, functional, and spatial information, amino acid conservation, physicochemical variation, residue mobility, and thermodynamic stability) performed at Invitae indicates that this missense variant is not expected to disrupt TSC2 protein function with a negative predictive value of 95%. In summary, the available evidence is currently insufficient to determine the role of this variant in disease. Therefore, it has been classified as a Variant of Uncertain Significance.